The following is an entry in ClinVar:

NC_000023.10:g.(?_31139940)_33229483del

Gene: DMD (dystrophin; minus strand).
Variant type: Deletion.
Identifiers: ClinVar variation 1069170 (VCV001069170.2).

ClinVar aggregate classification (germline): Pathogenic (1 of 4 stars; one submission).

Conditions:
Duchenne muscular dystrophy (DMD). Also called: MUSCULAR DYSTROPHY, PSEUDOHYPERTROPHIC PROGRESSIVE, DUCHENNE TYPE; Duchenne Muscular Dystrophy (DMD). Identifiers: Orphanet 98896, MedGen C0013264, MONDO:0010679, OMIM 310200.

Submission:

Labcorp Genetics (formerly Invitae), Labcorp
Classification: Pathogenic for Duchenne muscular dystrophy. Last evaluated: 2020-02-01. Review status: criteria provided, single submitter. Criteria: Invitae Variant Classification Sherloc (09022015). Collection method: clinical testing. Allele origin: germline.
Comment: A gross deletion of the genomic region encompassing the full coding sequence of the DMD gene has been identified. The boundaries of this event are unknown as the deletion extends beyond the assayed region for this gene and therefore may encompass additional genes. This variant has been observed in individual(s) with Duchenne muscular dystrophy (PMID: 22234188, 19084397). Loss-of-function variants in DMD are known to be pathogenic (PMID: 16770791, 25007885). For these reasons, this variant has been classified as Pathogenic.

Literature cited by the submitters: PubMed 22234188; PubMed 19084397; PubMed 16770791; PubMed 25007885.